The following is an entry in ClinVar:

NM_003846.3(PEX11B):c.85G>A (p.Gly29Ser)

Gene: PEX11B (peroxisomal biogenesis factor 11 beta; minus strand). Cytogenetic location: 1q21.1.
Variant type: single nucleotide variant.
Coding change: c.85G>A on transcript NM_003846.3 (MANE Select); coding-DNA position 85, G replaced by A.
Protein change: p.Gly29Ser; replaces glycine 29 with serine.
Molecular consequence: missense variant. On other transcripts: non-coding transcript variant (3).
Genome position (GRCh38, 1-based): chr1:145,917,788, C>T on the plus strand (G>A on the coding strand, the complement: PEX11B is on the minus strand). VCF-style: chr1-145917788-C-T. GRCh37 (hg19) VCF-style: chr1-145517301-G-A.
Other names: c.43G>A, p.Gly15Ser (NM_001184795.1); short protein forms G29S, G15S.
Identifiers: ClinVar variation 1967484 (VCV001967484.3), dbSNP rs782520996, ClinGen allele CA1055501.

ClinVar aggregate classification (germline): Uncertain significance (1 of 4 stars; one submission).

Allele frequency attached by ClinVar (database versions not stated): gnomAD exomes below 0.00001; ExAC 0.00001; TOPMed 0.00001.

Submission:

Labcorp Genetics (formerly Invitae), Labcorp
Classification: Uncertain significance. Last evaluated: 2021-11-29. Review status: criteria provided, single submitter. Criteria: Invitae Variant Classification Sherloc (09022015). Collection method: clinical testing. Allele origin: germline.
Comment: In summary, the available evidence is currently insufficient to determine the role of this variant in disease. Therefore, it has been classified as a Variant of Uncertain Significance. Algorithms developed to predict the effect of sequence changes on RNA splicing suggest that this variant may create or strengthen a splice site. Algorithms developed to predict the effect of missense changes on protein structure and function (SIFT, PolyPhen-2, Align-GVGD) all suggest that this variant is likely to be tolerated. This variant has not been reported in the literature in individuals affected with PEX11B-related conditions. This variant is present in population databases (rs782520996, gnomAD 0.009%). This sequence change replaces glycine, which is neutral and non-polar, with serine, which is neutral and polar, at codon 29 of the PEX11B protein (p.Gly29Ser).